The following is an entry in ClinVar:

ClinVar aggregate classification (germline): Uncertain significance. Review status: criteria provided, multiple submitters, no conflicts (2 of 4 stars). 2 submissions from 2 submitters: Uncertain significance (2). Last evaluated 2026-03-29.

Conditions:
Cystic fibrosis (CF). Also called: MUCOVISCIDOSIS. Identifiers: Orphanet 586, MedGen C0010674, MONDO:0009061, OMIM 219700. Disease mechanism: loss of function.

Submissions (2):

GeneDx
Classification: Uncertain significance. Last evaluated: 2026-03-29. Review status: criteria provided, single submitter. Criteria: GeneDx Variant Classification Process June 2021. Collection method: clinical testing. Allele origin: germline.
Comment: Not observed at significant frequency in large population cohorts (gnomAD); In silico analysis suggests that this missense variant does not alter protein structure/function; Has not been previously published as pathogenic or benign to our knowledge

Ambry Genetics
Classification: Uncertain significance for Cystic fibrosis. Last evaluated: 2025-04-07. Review status: criteria provided, single submitter. Criteria: Ambry Variant Classification Scheme 2023. Collection method: clinical testing. Allele origin: germline.
Comment: The p.K483N variant (also known as c.1449G>T), located in coding exon 11 of the CFTR gene, results from a G to T substitution at nucleotide position 1449. The lysine at codon 483 is replaced by asparagine, an amino acid with similar properties. This amino acid position is conserved. In addition, the in silico prediction for this alteration is inconclusive. Based on the available evidence, the clinical significance of this variant remains unclear.

NM_000492.4(CFTR):c.1449G>T (p.Lys483Asn)

Genes: CFTR (CF transmembrane conductance regulator; plus strand), CFTR-AS1 (CFTR antisense RNA 1; minus strand). Cytogenetic location: 7q31.2.
Variant type: single nucleotide variant.
Coding change: c.1449G>T on transcript NM_000492.4 (MANE Select); coding-DNA position 1449, G replaced by T.
Protein change: p.Lys483Asn; replaces lysine 483 with asparagine.
Molecular consequence: missense variant.
Genome position (GRCh38, 1-based): chr7:117,559,520, G>T. VCF-style: chr7-117559520-G-T. GRCh37 (hg19) VCF-style: chr7-117199574-G-T.
Other names: short protein forms K483N.
Identifiers: ClinVar variation 4001802 (VCV004001802.2).